The following is an entry in ClinVar:

NM_000059.4(BRCA2):c.36del (p.Phe12fs)

Gene: BRCA2 (BRCA2 DNA repair associated; plus strand). Cytogenetic location: 13q13.1.
Variant type: Deletion.
Coding change: c.36del on transcript NM_000059.4 (MANE Select); coding-DNA position 36, one base deleted (T; older notation c.36delT).
Protein change: p.Phe12fs; shifts the reading frame from phenylalanine 12.
Molecular consequence: frameshift variant.
Genome position (GRCh38, 1-based): chr13:32,316,496, T deleted; the last of 6 consecutive T bases (chr13:32,316,491-32,316,496); deleting any one gives the same sequence. VCF-style (leftmost placement, unchanged base first): chr13-32316490-AT-A. GRCh37 (hg19) VCF-style: chr13-32890627-AT-A.
Other names: 264delT; c.36delT (NM_000059.3); c.31delT (NM_000059.3); c.36del (NM_000059.3); short protein forms F12fs.
Identifiers: ClinVar variation 51508 (VCV000051508.13), dbSNP rs80359393, ClinGen allele CA018602.

ClinVar aggregate classification (germline): Pathogenic. Review status: reviewed by expert panel (3 of 4 stars). 6 submissions from 6 submitters: Pathogenic (1). 5 of the submissions do not count toward it. Last evaluated 2016-09-08.

Conditions:
Hereditary cancer-predisposing syndrome. Also called: Tumor predisposition; Neoplastic Syndromes, Hereditary; Hereditary neoplastic syndrome; Hereditary Cancer Syndrome. Identifiers: Orphanet 140162, MedGen C0027672, MeSH D009386, MONDO:0015356.
Hereditary breast ovarian cancer syndrome. Also called: BRCA1- and BRCA2-Associated Hereditary Breast and Ovarian Cancer; Hereditary breast and ovarian cancer syndrome (HBOC); Breast and ovarian cancer; Hereditary breast and ovarian cancer; Hereditary breast and/or ovarian cancer syndrome; Hereditary breast and ovarian cancer syndrome. Identifiers: Orphanet 145, MedGen C0677776, MeSH D061325, MONDO:0003582. Disease mechanism: loss of function.
Breast-ovarian cancer, familial, susceptibility to, 2 (BROVCA2). Also called: BRCA2 Hereditary Breast and Ovarian Cancer. Identifiers: Orphanet 145, MedGen C2675520, MONDO:0012933, OMIM 612555. Disease mechanism: loss of function.
Familial cancer of breast. Also called: hereditary breast carcinoma; Hereditary breast cancer; BREAST CANCER, FAMILIAL. Identifiers: Orphanet 227535, MedGen C0346153, MONDO:0016419, OMIM 114480. Disease mechanism: loss of function.

Submissions (6):

Evidence-based Network for the Interpretation of Germline Mutant Alleles (ENIGMA)
Classification: Pathogenic for Breast-ovarian cancer, familial, susceptibility to, 2. Last evaluated: 2016-09-08. Review status: reviewed by expert panel. Criteria: ENIGMA BRCA1/2 Classification Criteria (2015). Collection method: curation. Allele origin: germline.
Comment: Variant allele predicted to encode a truncated non-functional protein.

GeneDx
Classification: Pathogenic. Last evaluated: 2023-07-28. Review status: criteria provided, single submitter. Criteria: GeneDx Variant Classification Process June 2021. Collection method: clinical testing. Allele origin: germline. Affected: yes. Not counted in ClinVar's aggregate classification.
Comment: Frameshift variant predicted to result in protein truncation or nonsense mediated decay in a gene for which loss of function is a known mechanism of disease; Truncating variants in this gene are considered pathogenic by a well-established clinical consortium and/or database; Not observed at significant frequency in large population cohorts (gnomAD); Also known as 264del; This variant is associated with the following publications: (PMID: 32521533, 35918668, 11139249, 29752822, 29805665, 20104584, 37116400, 31825140, 29483665)

Labcorp Genetics (formerly Invitae), Labcorp
Classification: Pathogenic for Hereditary breast ovarian cancer syndrome. Last evaluated: 2021-05-13. Review status: criteria provided, single submitter. Criteria: Invitae Variant Classification Sherloc (09022015). Collection method: clinical testing. Allele origin: germline. Not counted in ClinVar's aggregate classification.
Comment: For these reasons, this variant has been classified as Pathogenic. This variant has not been reported in the literature in individuals with BRCA2-related conditions. ClinVar contains an entry for this variant (Variation ID: 51508). This variant is not present in population databases (ExAC no frequency). This sequence change creates a premature translational stop signal (p.Phe11Leufs*4) in the BRCA2 gene. It is expected to result in an absent or disrupted protein product. Loss-of-function variants in BRCA2 are known to be pathogenic (PMID: 20104584).

Ambry Genetics
Classification: Pathogenic for Hereditary cancer-predisposing syndrome. Last evaluated: 2021-04-02. Review status: criteria provided, single submitter. Criteria: Ambry Variant Classification Scheme 2023. Collection method: clinical testing. Allele origin: germline. Not counted in ClinVar's aggregate classification.
Comment: The c.36delT pathogenic mutation, located in coding exon 1 of the BRCA2 gene, results from a deletion of one nucleotide at nucleotide position 36, causing a translational frameshift with a predicted alternate stop codon (p.F12Lfs*13). The predicted stop codon occurs within the first 150 nucleotides of theBRCA2 gene. This alteration may escape nonsense-mediated mRNAdecay and/or be rescued by re-initiation (Rivas et al. Science. 2015 May 8;348(6235):666-9; Lindeboom et al. Nat Genet. 2016 Oct;48(10):1112-8; Rhee et al. Sci Rep. 2017 May 10;7(1):1653). However, the impacted region is critical for protein function (Ambry internal data). This alteration (reported as c.31delT) was identified in a cohort of high hereditary risk Chinese breast cancer patients (Li JY et al. Int J Cancer, 2019 01;144:281-289). Based on the supporting evidence, this alteration is interpreted as a disease-causing mutation.

Breast Cancer Information Core (BIC) (BRCA2)
Classification: Pathogenic for Breast-ovarian cancer, familial 2. Last evaluated: 2003-12-23. Review status: no assertion criteria provided. Collection method: clinical testing. Allele origin: germline. Affected: yes. Observed: 1 variant allele. Not counted in ClinVar's aggregate classification.

Center for Precision Medicine, Meizhou People's Hospital
Classification: Pathogenic for Familial cancer of breast. Review status: no assertion criteria provided. Collection method: literature only. Allele origin: germline. Affected: yes. Not counted in ClinVar's aggregate classification.

Literature cited by the submitters: PubMed 20104584 (cited by Labcorp Genetics (formerly Invitae), Labcorp and Center for Precision Medicine, Meizhou People's Hospital); PubMed 29483665 (cited by Ambry Genetics); PubMed 29752822 (cited by Ambry Genetics); PubMed 29805665 (cited by Ambry Genetics).